The following is an entry in ClinVar:

NC_000016.9:g.(?_53672132)_(53679723_?)del

Gene: RPGRIP1L (RPGRIP1 like; minus strand). Cytogenetic location: 16q12.2.
Variant type: Deletion.
Identifiers: ClinVar variation 1520053 (VCV001520053.7).

ClinVar aggregate classification (germline): Likely pathogenic (1 of 4 stars; one submission).

Conditions:
Meckel-Gruber syndrome. Also called: DYSENCEPHALIA SPLANCHNOCYSTICA; GRUBER SYNDROME; Dysencephalia splachnocystica. Identifiers: Orphanet 564, MedGen C0265215, MONDO:0018921.
Joubert syndrome. Also called: CEREBELLOPARENCHYMAL DISORDER IV; JOUBERT-BOLTSHAUSER SYNDROME; Familial aplasia of the vermis. Identifiers: Orphanet 475, MedGen C5979921, MONDO:0018772.

Submission:

Labcorp Genetics (formerly Invitae), Labcorp
Classification: Likely pathogenic for Joubert syndrome; Meckel-Gruber syndrome. Last evaluated: 2023-07-12. Review status: criteria provided, single submitter. Criteria: Invitae Variant Classification Sherloc (09022015). Collection method: clinical testing. Allele origin: germline.
Comment: In summary, the currently available evidence indicates that the variant is pathogenic, but additional data are needed to prove that conclusively. Therefore, this variant has been classified as Likely Pathogenic. This variant has not been reported in the literature in individuals affected with RPGRIP1L-related conditions. This variant results in the deletion of exon(s) 18-20 and part of exon 17 (c.2497_3060+90delins284) of the RPGRIP1L gene. It is expected to disrupt RNA splicing. Variants that disrupt the donor or acceptor splice site typically lead to a loss of protein function (PMID: 16199547), and loss-of-function variants in RPGRIP1L are known to be pathogenic (PMID: 17558409).

Literature cited by the submitters: PubMed 16199547; PubMed 17558409.